The following is an entry in ClinVar:

ClinVar aggregate classification (germline): Uncertain significance (1 of 4 stars; one submission).

Conditions:
Weill-Marchesani syndrome 1 (WMS1). Also called: Weill-Marchesani Syndrome, Autosomal Recessive; Weill-Marchesani syndrome 1, recessive; ADAMTS10-Related Weill-Marchesani Syndrome. Identifiers: Orphanet 3449, MedGen C4552002, MONDO:0010194, OMIM 277600.

Submission:

Center for Genomics, Ann and Robert H. Lurie Children's Hospital of Chicago
Classification: Uncertain significance for Weill-Marchesani syndrome 1. Last evaluated: 2021-03-30. Review status: criteria provided, single submitter. Criteria: ACMG Guidelines, 2015. Collection method: clinical testing. Allele origin: germline.
Comment: ADAMTS10 NM_030957.3 exon 14 p.Trp553Cys (c.1659G>C): This variant has not been reported in the literature and is not present in large control databases. Evolutionary conservation and computational predictive tools suggest that this variant may impact the protein. In summary, data on this variant is insufficient for disease classification. Therefore, the clinical significance of this variant is uncertain.

NM_030957.4(ADAMTS10):c.1659G>C (p.Trp553Cys)

Gene: ADAMTS10 (ADAM metallopeptidase with thrombospondin type 1 motif 10; minus strand). Cytogenetic location: 19p13.2.
Variant type: single nucleotide variant.
Coding change: c.1659G>C on transcript NM_030957.4 (MANE Select); coding-DNA position 1659, G replaced by C.
Protein change: p.Trp553Cys; replaces tryptophan 553 with cysteine.
Molecular consequence: missense variant.
Genome position (GRCh38, 1-based): chr19:8,592,032, C>G on the plus strand (G>C on the coding strand, the complement: ADAMTS10 is on the minus strand). VCF-style: chr19-8592032-C-G. GRCh37 (hg19) VCF-style: chr19-8656916-C-G.
Other names: c.131G>C, p.Gly44Ala (NM_001282352.2); short protein forms G44A, W553C.
Identifiers: ClinVar variation 2500008 (VCV002500008.1), dbSNP rs2512603348, ClinGen allele CA403753157.